The following is an entry in ClinVar:

ClinVar aggregate classification (germline): Uncertain significance. Review status: criteria provided, multiple submitters, no conflicts (2 of 4 stars). 3 submissions from 3 submitters: Uncertain significance (3). Last evaluated 2025-11-16.

Conditions:
Cardiovascular phenotype. Identifiers: MedGen CN230736.
Brugada syndrome. Also called: Sudden unexpected nocturnal death syndrome; Sudden unexplained nocturnal death syndrome; Sudden Unexplained Death Syndrome; Sudden Unexplained Nocturnal Death Syndrome (SUNDS). Identifiers: Orphanet 130, MedGen C1142166, MONDO:0015263.

Allele frequency attached by ClinVar (database versions not stated): gnomAD exomes 0.00001; ExAC 0.00002; TOPMed 0.00004; gnomAD 0.00007 and 0.00009; ESP Exome Variant Server 0.00008.
gnomAD v4.1: 19 of 1,610,646 alleles (0.0012%); highest among the groups gnomAD compares: African/African-American, 0.019%; no homozygotes.

Submissions (3):

Ambry Genetics
Classification: Uncertain significance for Cardiovascular phenotype. Last evaluated: 2025-11-16. Review status: criteria provided, single submitter. Criteria: Ambry Variant Classification Scheme 2023. Collection method: clinical testing. Allele origin: germline.
Comment: The p.V1547L variant (also known as c.4639G>T), located in coding exon 26 of the SCN10A gene, results from a G to T substitution at nucleotide position 4639. The valine at codon 1547 is replaced by leucine, an amino acid with highly similar properties. This variant has been detected in a sudden death cohort; however, details were limited (Lin Y et al. Circ Cardiovasc Genet, 2017 Dec;10:). This amino acid position is well conserved in available vertebrate species. In addition, this alteration is predicted to be deleterious by in silico analysis. Since supporting evidence is limited at this time, the clinical significance of this alteration remains unclear.

Labcorp Genetics (formerly Invitae), Labcorp
Classification: Uncertain significance for Brugada syndrome. Last evaluated: 2025-02-22. Review status: criteria provided, single submitter. Criteria: Invitae Variant Classification Sherloc (09022015). Collection method: clinical testing. Allele origin: germline.
Comment: This sequence change replaces valine, which is neutral and non-polar, with leucine, which is neutral and non-polar, at codon 1547 of the SCN10A protein (p.Val1547Leu). This variant is present in population databases (rs377492327, gnomAD 0.01%). This missense change has been observed in individual(s) with sudden unexplained death (PMID: 29247119). ClinVar contains an entry for this variant (Variation ID: 451988). Invitae Evidence Modeling of protein sequence and biophysical properties (such as structural, functional, and spatial information, amino acid conservation, physicochemical variation, residue mobility, and thermodynamic stability) indicates that this missense variant is not expected to disrupt SCN10A protein function with a negative predictive value of 80%. In summary, the available evidence is currently insufficient to determine the role of this variant in disease. Therefore, it has been classified as a Variant of Uncertain Significance.

GeneDx
Classification: Uncertain significance. Last evaluated: 2023-10-12. Review status: criteria provided, single submitter. Criteria: GeneDx Variant Classification Process June 2021. Collection method: clinical testing. Allele origin: germline. Affected: yes.
Comment: Not observed at significant frequency in large population cohorts (gnomAD); In silico analysis supports that this missense variant has a deleterious effect on protein structure/function; This variant is associated with the following publications: (PMID: 29247119)

Literature cited by the submitters: PubMed 29247119 (cited by Ambry Genetics and Labcorp Genetics (formerly Invitae), Labcorp).

NM_006514.4(SCN10A):c.4639G>T (p.Val1547Leu)

Gene: SCN10A (sodium voltage-gated channel alpha subunit 10; minus strand). Cytogenetic location: 3p22.2.
Variant type: single nucleotide variant.
Coding change: c.4639G>T on transcript NM_006514.4 (MANE Select); coding-DNA position 4639, G replaced by T.
Protein change: p.Val1547Leu; replaces valine 1547 with leucine.
Molecular consequence: missense variant.
Genome position (GRCh38, 1-based): chr3:38,701,857, C>A on the plus strand (G>T on the coding strand, the complement: SCN10A is on the minus strand). VCF-style: chr3-38701857-C-A. GRCh37 (hg19) VCF-style: chr3-38743348-C-A.
Other names: c.4636G>T, p.Val1546Leu (NM_001293306.2); c.4345G>T, p.Val1449Leu (NM_001293307.2); short protein forms V1547L, V1546L, V1449L.
Identifiers: ClinVar variation 451988 (VCV000451988.11), dbSNP rs377492327, ClinGen allele CA2319860.